The following is an entry in ClinVar:

NM_001430.5(EPAS1):c.2385C>A (p.Ser795Arg)

Gene: EPAS1 (endothelial PAS domain protein 1; plus strand). Cytogenetic location: 2p21.
Variant type: single nucleotide variant.
Coding change: c.2385C>A on transcript NM_001430.5 (MANE Select); coding-DNA position 2385, C replaced by A.
Protein change: p.Ser795Arg; replaces serine 795 with arginine.
Molecular consequence: missense variant.
Genome position (GRCh38, 1-based): chr2:46,382,522, C>A. VCF-style: chr2-46382522-C-A. GRCh37 (hg19) VCF-style: chr2-46609661-C-A.
Other names: short protein forms S795R.
Identifiers: ClinVar variation 3275667 (VCV003275667.1).
Genomic context (GRCh38, chr2:46,382,522, plus strand): 5'-TCCCCTGAGACATCTGCCGCTGCCACAGCCTCCATCTGCCATCAGTCCCGGGGAGAACAG[C>A]AAGAGCAGGTTCCCCCCACAGTGCTACGCCACCCAGTACCAGGACTACAGCCTGTCGTCA-3'
Protein context (NP_001421.2, residues 785-805): PPSAISPGEN[Ser795Arg]KSRFPPQCYA

ClinVar aggregate classification (germline): Uncertain significance (1 of 4 stars; one submission).

Conditions:
Inborn genetic diseases. Identifiers: MedGen C0950123, MeSH D030342.

gnomAD v4.1: 3 of 1,614,174 alleles (0.00019%); highest among the groups gnomAD compares: Non-Finnish European, 0.00025%; no homozygotes.

Submission:

Ambry Genetics
Classification: Uncertain significance for Inborn genetic diseases. Last evaluated: 2024-06-21. Review status: criteria provided, single submitter. Criteria: Ambry Variant Classification Scheme 2023. Collection method: clinical testing. Allele origin: germline.
Comment: The p.S795R variant (also known as c.2385C>A), located in coding exon 15 of the EPAS1 gene, results from a C to A substitution at nucleotide position 2385. The serine at codon 795 is replaced by arginine, an amino acid with dissimilar properties. This amino acid position is conserved. In addition, this alteration is predicted to be tolerated by in silico analysis. Based on the available evidence, the clinical significance of this variant remains unclear.